The following is an entry in ClinVar:

ClinVar aggregate classification (germline): Likely benign (1 of 4 stars; one submission).

Allele frequency attached by ClinVar (database versions not stated): ExAC 0.00008.

Submission:

CeGaT Center for Human Genetics Tuebingen
Classification: Likely benign. Last evaluated: 2022-06-01. Review status: criteria provided, single submitter. Criteria: CeGaT Center For Human Genetics Tuebingen Variant Classification Criteria Version 2. Collection method: clinical testing. Allele origin: germline. Affected: yes. Observed: 1 variant allele.
Comment: DUSP2: BP4, BP7

NM_004418.4(DUSP2):c.927C>T (p.Thr309=)

Gene: DUSP2 (dual specificity phosphatase 2; minus strand). Cytogenetic location: 2q11.2.
Variant type: single nucleotide variant.
Coding change: c.927C>T on transcript NM_004418.4 (MANE Select); coding-DNA position 927, C replaced by T.
Protein change: p.Thr309=; no amino-acid change (threonine 309 retained).
Molecular consequence: synonymous variant.
Genome position (GRCh38, 1-based): chr2:96,143,841, G>A on the plus strand (C>T on the coding strand, the complement: DUSP2 is on the minus strand). VCF-style: chr2-96143841-G-A. GRCh37 (hg19) VCF-style: chr2-96809580-G-A.
Identifiers: ClinVar variation 2651140 (VCV002651140.24), dbSNP rs781733980, ClinGen allele CA1776592.